The following is an entry in ClinVar:

ClinVar aggregate classification (germline): Likely benign. Review status: criteria provided, multiple submitters, no conflicts (2 of 4 stars). 3 submissions from 3 submitters: Likely benign (2). 1 of the submissions does not count toward it. Last evaluated 2026-01-17.

Conditions:
PEX16-related disorder. Also called: PEX16-related condition.
Peroxisome biogenesis disorder. Identifiers: Orphanet 79189, MedGen C1832200, MONDO:0019234. Disease mechanism: loss of function.

Allele frequency attached by ClinVar (database versions not stated): gnomAD exomes 0.00001 and 0.00003; gnomAD 0.00002; TOPMed 0.00002; ExAC 0.00005.

Submissions (3):

Labcorp Genetics (formerly Invitae), Labcorp
Classification: Likely benign for Peroxisome biogenesis disorder. Last evaluated: 2026-01-17. Review status: criteria provided, single submitter. Criteria: Invitae Variant Classification Sherloc (09022015). Collection method: clinical testing. Allele origin: germline.

Blueprint Genetics
Classification: Likely benign. Last evaluated: 2024-11-21. Review status: criteria provided, single submitter. Criteria: ACMG Guidelines, 2015. Collection method: clinical testing. Allele origin: germline.

PreventionGenetics, part of Exact Sciences
Classification: Likely benign for PEX16-related condition. Last evaluated: 2024-08-14. Review status: no assertion criteria provided. Collection method: clinical testing. Allele origin: germline. Not counted in ClinVar's aggregate classification.
Comment: This variant is classified as likely benign based on ACMG/AMP sequence variant interpretation guidelines (Richards et al. 2015 PMID: 25741868, with internal and published modifications).

NM_004813.4(PEX16):c.759C>T (p.Asp253=)

Gene: PEX16 (peroxisomal biogenesis factor 16; minus strand). Cytogenetic location: 11p11.2.
Variant type: single nucleotide variant.
Coding change: c.759C>T on transcript NM_004813.4 (MANE Select); coding-DNA position 759, C replaced by T.
Protein change: p.Asp253=; no amino-acid change (aspartic acid 253 retained).
Molecular consequence: synonymous variant.
Genome position (GRCh38, 1-based): chr11:45,914,139, G>A on the plus strand (C>T on the coding strand, the complement: PEX16 is on the minus strand). VCF-style: chr11-45914139-G-A. GRCh37 (hg19) VCF-style: chr11-45935690-G-A.
Other names: c.759C>T, p.Asp253= (NM_057174.3); c.759C>T (NM_004813.2).
Identifiers: ClinVar variation 1158805 (VCV001158805.11), dbSNP rs774788367, ClinGen allele CA5959845.